The following is an entry in ClinVar:

ClinVar aggregate classification (germline): Uncertain significance (1 of 4 stars; one submission).

Conditions:
Ichthyosis linearis circumflexa. Identifiers: MedGen C0265962, MONDO:0043106, HP:0025810.

Allele frequency attached by ClinVar (database versions not stated): gnomAD exomes below 0.00001.
gnomAD v4.1: 1 of 1,614,212 alleles (0.000062%); highest among the groups gnomAD compares: East Asian, 0.0022%; no homozygotes.

Submission:

Labcorp Genetics (formerly Invitae), Labcorp
Classification: Uncertain significance for Ichthyosis linearis circumflexa. Last evaluated: 2020-12-02. Review status: criteria provided, single submitter. Criteria: Invitae Variant Classification Sherloc (09022015). Collection method: clinical testing. Allele origin: germline.
Comment: This variant is not present in population databases (ExAC no frequency). In summary, the available evidence is currently insufficient to determine the role of this variant in disease. Therefore, it has been classified as a Variant of Uncertain Significance. Algorithms developed to predict the effect of missense changes on protein structure and function are either unavailable or do not agree on the potential impact of this missense change (SIFT: "Deleterious"; PolyPhen-2: "Probably Damaging"; Align-GVGD: "Class C0"). This variant has not been reported in the literature in individuals with SPINK5-related conditions. This sequence change replaces asparagine with serine at codon 947 of the SPINK5 protein (p.Asn947Ser). The asparagine residue is highly conserved and there is a small physicochemical difference between asparagine and serine.

NM_006846.4(SPINK5):c.2840A>G (p.Asn947Ser)

Gene: SPINK5 (serine peptidase inhibitor Kazal type 5; plus strand). Cytogenetic location: 5q32.
Variant type: single nucleotide variant.
Coding change: c.2840A>G on transcript NM_006846.4 (MANE Select); coding-DNA position 2840, A replaced by G.
Protein change: p.Asn947Ser; replaces asparagine 947 with serine.
Molecular consequence: missense variant.
Genome position (GRCh38, 1-based): chr5:148,125,823, A>G. VCF-style: chr5-148125823-A-G. GRCh37 (hg19) VCF-style: chr5-147505386-A-G.
Other names: c.2930A>G, p.Asn977Ser (NM_001127698.2); short protein forms N947S, N977S.
Identifiers: ClinVar variation 1490287 (VCV001490287.8), dbSNP rs1243172589, ClinGen allele CA361650337.